The following continues an entry in ClinVar:

NM_000465.4(BARD1):c.2282G>A (p.Ser761Asn)

Gene: BARD1. ClinVar aggregate classification (germline): Conflicting classifications of pathogenicity. Uncertain significance (5); Benign (8); Likely benign (10).

Submissions 22 to 25 of 25:

Centre for Mendelian Genomics, University Medical Centre Ljubljana
Classification: Uncertain significance for Hereditary cancer. Last evaluated: 2014-11-20. Review status: criteria provided, single submitter. Criteria: ACMG Guidelines, 2015. Collection method: clinical testing. Allele origin: unknown. Affected: yes.

Color Diagnostics, LLC DBA Color Health
Classification: Likely benign for Hereditary cancer-predisposing syndrome. Last evaluated: 2014-11-19. Review status: criteria provided, single submitter. Criteria: ACMG Guidelines, 2015. Collection method: clinical testing. Allele origin: germline.

Counsyl
Classification: Likely benign for Familial cancer of breast. Last evaluated: 2017-10-26. Review status: no assertion criteria provided. Collection method: clinical testing. Allele origin: unknown. Not counted in ClinVar's aggregate classification.

Department of Pathology and Laboratory Medicine, Sinai Health System
Classification: Likely benign for Malignant tumor of breast. Review status: no assertion criteria provided. Collection method: clinical testing. Allele origin: unknown. Affected: yes. Observed: 6 variant alleles. Study: The Canadian Open Genetics Repository (COGR). Not counted in ClinVar's aggregate classification.
Comment: The BARD1 p.Ser761Asn variant was identified in 2 of 1220 proband chromosomes (frequency: 0.002) from individuals or families with breast, ovarian, uterine and endometrial cancers, and was present in 2 of 966 control chromosomes (frequency: 0.002) from healthy individuals (De Brakeleer 2010, Gorringe 2008, Thai 1998). The variant was also identified in dbSNP (ID: rs142155101) as â€šÃ„ÃºWith Uncertain significance alleleâ€šÃ„Ã¹, ClinVar database (1x as benign by Invitae; 3x as likely benign by GeneDx, Ambry Genetics, Illumina; 1x as uncertain significance by CMGUMCL), Clinvitae database (classified as benign by Invitae; classified as likely benign and uncertain significance by ClinVar), MutDB, Zhejiang Colon Cancer Database (LOVD), databases. This variant was identified in the genome Aggregation Database (Genome Aggregation Consortium Feb 27, 2017) in 484 (3 homozygous) of 276958 chromosomes (freq. 0.002), in the following populations: Finnish in 247 of 25792 (2 homozygous) chromosomes (freq. 0.0095), Ashkenazi Jewish in 34 of 10146 chromosomes (freq. 0.0033), European in 189 of 126482 (1 homozygous) chromosomes (freq. 0.0015), other in 7 of 6460 chromosomes (freq. 0.001), Latino in 6 of 34406 chromosomes (freq. 0.00017), African in 1 of 24028 chromosomes (freq. 0.00004), increasing the likelihood this could be a low frequency benign variant. The variant p.Ser761Asn has been identified as cancer-associated missense mutation in breast and uterine cancers (Birrane 2007). This variant was also identified in a screen of 150 sporadic tumors and was not present in normal cells of the patients, indicating that they arose somatically during tumor development (Laufer 2007). The variant occurs outside of the splicing consensus sequence and 1 of 5 in silico or computational prediction software programs (SpliceSiteFinder, MaxEntScan, NNSPLICE, GeneSplicer, HumanSpliceFinder) predict a greater than 10% difference in splicing; this is not very predictive of pathogenicity. In summary, based on the above information, the clinical significance of this variant cannot be determined with certainty at this time but we would lean towards a more benign role for this variant. It is classified as likely benign.

Literature cited by the submitters: PubMed 26350354 (cited by 5 submitters); PubMed 25085752 (cited by Myriad Genetics, Inc.); PubMed 26787654 (cited by Quest Diagnostics Nichols Institute San Juan Capistrano and Counsyl); PubMed 25186627 (cited by Quest Diagnostics Nichols Institute San Juan Capistrano and Counsyl); PubMed 17972171 (cited by Quest Diagnostics Nichols Institute San Juan Capistrano and Illumina Laboratory Services, Illumina); PubMed 9425226 (cited by 4 submitters); PubMed 16061562 (cited by 5 submitters); PubMed 20077502 (cited by 5 submitters); PubMed 26517685 (cited by Quest Diagnostics Nichols Institute San Juan Capistrano and Women's Health and Genetics/Laboratory Corporation of America, LabCorp); PubMed 29785153 (cited by Quest Diagnostics Nichols Institute San Juan Capistrano); PubMed 25980754 (cited by Quest Diagnostics Nichols Institute San Juan Capistrano and Ambry Genetics); PubMed 26976419 (cited by Quest Diagnostics Nichols Institute San Juan Capistrano); PubMed 17550235 (cited by Ambry Genetics and Illumina Laboratory Services, Illumina); PubMed 17848578 (cited by 4 submitters); PubMed 22006311 (cited by Ambry Genetics and Counsyl); PubMed 25288723 (cited by Ambry Genetics and Illumina Laboratory Services, Illumina); PubMed 26315354 (cited by Women's Health and Genetics/Laboratory Corporation of America, LabCorp and Counsyl); PubMed 23056176 (cited by Women's Health and Genetics/Laboratory Corporation of America, LabCorp); PubMed 18089818 (cited by Women's Health and Genetics/Laboratory Corporation of America, LabCorp); PubMed 11807980 (cited by Women's Health and Genetics/Laboratory Corporation of America, LabCorp).